The following is an entry in ClinVar:

NM_005228.5(EGFR):c.3109T>G (p.Ser1037Ala)

Gene: EGFR (epidermal growth factor receptor; plus strand). Cytogenetic location: 7p11.2.
Variant type: single nucleotide variant.
Coding change: c.3109T>G on transcript NM_005228.5 (MANE Select); coding-DNA position 3109, T replaced by G.
Protein change: p.Ser1037Ala; replaces serine 1037 with alanine.
Molecular consequence: missense variant.
Genome position (GRCh38, 1-based): chr7:55,201,350, T>G. VCF-style: chr7-55201350-T-G. GRCh37 (hg19) VCF-style: chr7-55269043-T-G.
Other names: c.2974T>G, p.Ser992Ala (NM_001346897.2, NM_001346899.2); c.3109T>G, p.Ser1037Ala (NM_001346898.2); c.2950T>G, p.Ser984Ala (NM_001346900.2); c.2308T>G, p.Ser770Ala (NM_001346941.2); short protein forms S984A, S770A, S992A, S1037A.
Identifiers: ClinVar variation 4638513 (VCV004638513.1).

ClinVar aggregate classification (germline): Uncertain significance (1 of 4 stars; one submission).

Conditions:
Hereditary cancer-predisposing syndrome. Also called: Neoplastic Syndromes, Hereditary; Tumor predisposition; Hereditary Cancer Syndrome; Hereditary neoplastic syndrome. Identifiers: Orphanet 140162, MedGen C0027672, MeSH D009386, MONDO:0015356.

Submission:

Ambry Genetics
Classification: Uncertain significance for Hereditary cancer-predisposing syndrome. Last evaluated: 2025-09-25. Review status: criteria provided, single submitter. Criteria: Ambry Variant Classification Scheme 2023. Collection method: clinical testing. Allele origin: germline.
Comment: The p.S1037A variant (also known as c.3109T>G), located in coding exon 25 of the EGFR gene, results from a T to G substitution at nucleotide position 3109. The serine at codon 1037 is replaced by alanine, an amino acid with similar properties. This amino acid position is conserved. In addition, this alteration is predicted to be tolerated by in silico analysis. Based on the available evidence, the clinical significance of this variant remains unclear.